The following is an entry in ClinVar:

ClinVar aggregate classification (germline): Uncertain significance (1 of 4 stars; one submission).

Conditions:
Bloom syndrome (BLM). Also called: Bloom-Torre-Machacek syndrome. Identifiers: Orphanet 125, MedGen C0005859, MONDO:0008876, OMIM 210900.

Allele frequency attached by ClinVar (database versions not stated): gnomAD exomes below 0.00001.
gnomAD v4.1: 1 of 1,613,928 alleles (0.000062%); highest among the groups gnomAD compares: East Asian, 0.0022%; no homozygotes.

Submission:

Labcorp Genetics (formerly Invitae), Labcorp
Classification: Uncertain significance for Bloom syndrome. Last evaluated: 2022-02-20. Review status: criteria provided, single submitter. Criteria: Invitae Variant Classification Sherloc (09022015). Collection method: clinical testing. Allele origin: germline.
Comment: This sequence change replaces glycine, which is neutral and non-polar, with arginine, which is basic and polar, at codon 478 of the BLM protein (p.Gly478Arg). This variant is present in population databases (no rsID available, gnomAD 0.006%). This variant has not been reported in the literature in individuals affected with BLM-related conditions. ClinVar contains an entry for this variant (Variation ID: 524810). Algorithms developed to predict the effect of missense changes on protein structure and function (SIFT, PolyPhen-2, Align-GVGD) all suggest that this variant is likely to be tolerated. In summary, the available evidence is currently insufficient to determine the role of this variant in disease. Therefore, it has been classified as a Variant of Uncertain Significance.

NM_000057.4(BLM):c.1432G>C (p.Gly478Arg)

Gene: BLM (BLM RecQ like helicase; plus strand). Cytogenetic location: 15q26.1.
Variant type: single nucleotide variant.
Coding change: c.1432G>C on transcript NM_000057.4 (MANE Select); coding-DNA position 1432, G replaced by C.
Protein change: p.Gly478Arg; replaces glycine 478 with arginine.
Molecular consequence: missense variant.
Genome position (GRCh38, 1-based): chr15:90,760,805, G>C. VCF-style: chr15-90760805-G-C. GRCh37 (hg19) VCF-style: chr15-91304035-G-C.
Other names: c.1432G>C, p.Gly478Arg (NM_001287246.2, NM_001287247.2); c.307G>C, p.Gly103Arg (NM_001287248.2); short protein forms G478R, G103R.
Identifiers: ClinVar variation 524810 (VCV000524810.6), dbSNP rs1490929990, ClinGen allele CA393843044.